The following is an entry in ClinVar:

ClinVar aggregate classification (germline): Uncertain significance (1 of 4 stars; one submission).

Submission:

Labcorp Genetics (formerly Invitae), Labcorp
Classification: Uncertain significance. Last evaluated: 2024-05-09. Review status: criteria provided, single submitter. Criteria: Invitae Variant Classification Sherloc (09022015). Collection method: clinical testing. Allele origin: germline.
Comment: This sequence change replaces alanine, which is neutral and non-polar, with threonine, which is neutral and polar, at codon 240 of the FLRT3 protein (p.Ala240Thr). This variant is not present in population databases (gnomAD no frequency). This variant has not been reported in the literature in individuals affected with FLRT3-related conditions. Advanced modeling of protein sequence and biophysical properties (such as structural, functional, and spatial information, amino acid conservation, physicochemical variation, residue mobility, and thermodynamic stability) performed at Invitae indicates that this missense variant is not expected to disrupt FLRT3 protein function with a negative predictive value of 80%. In summary, the available evidence is currently insufficient to determine the role of this variant in disease. Therefore, it has been classified as a Variant of Uncertain Significance.

NM_198391.3(FLRT3):c.718G>A (p.Ala240Thr)

Genes: FLRT3 (fibronectin leucine rich transmembrane protein 3; minus strand), MACROD2 (mono-ADP ribosylhydrolase 2; plus strand). Cytogenetic location: 20p12.1.
Variant type: single nucleotide variant.
Coding change: c.718G>A on transcript NM_198391.3 (MANE Select); coding-DNA position 718, G replaced by A.
Protein change: p.Ala240Thr; replaces alanine 240 with threonine.
Molecular consequence: missense variant. On other transcripts: intron variant (3).
Genome position (GRCh38, 1-based): chr20:14,326,789, C>T on the plus strand (G>A on the coding strand, the complement: FLRT3 is on the minus strand). VCF-style: chr20-14326789-C-T. GRCh37 (hg19) VCF-style: chr20-14307435-C-T.
Other names: c.718G>A, p.Ala240Thr (NM_013281.4); c.272-166690C>T (NM_001351661.2, NM_001351663.2, NM_080676.6); short protein forms A240T.
Identifiers: ClinVar variation 3647087 (VCV003647087.2).
Genomic context (GRCh38, chr20:14,326,789, plus strand): 5'-TGATGTGGTTATCTTGAAGATAAAGCTTCCTCAGGTTTGTGCCTGGAAGGTTTACTGGTG[C>T]AGCAGTCAGGGAATTCCGCACCAGGGACAGCTCTGTCAAATTAACTAGGTTGAAGAAAAC-3'
Protein context (NP_938205.1, residues 230-250): LSLVRNSLTA[Ala240Thr]PVNLPGTNLR